The following is an entry in ClinVar:

NM_000246.4(CIITA):c.1536_1537insTTGCGGTC (p.Ser513fs)

Gene: CIITA (class II major histocompatibility complex transactivator; plus strand). Cytogenetic location: 16p13.13.
Variant type: Insertion.
Coding change: c.1536_1537insTTGCGGTC on transcript NM_000246.4 (MANE Select); coding-DNA positions 1536 to 1537, TTGCGGTC inserted.
Protein change: p.Ser513fs; shifts the reading frame from serine 513.
Molecular consequence: frameshift variant. On other transcripts: intron variant (1).
Genome position: GRCh38 VCF-style: chr16-10907027-A-ACTTGCGGT. GRCh37 (hg19) VCF-style: chr16-11000884-A-ACTTGCGGT.
Other names: c.1539_1540insTTGCGGTC, p.Ser514fs (NM_001286402.1, NM_001379332.1); c.1392_1393insTTGCGGTC, p.Ser465fs (NM_001379330.1); c.1389_1390insTTGCGGTC, p.Ser464fs (NM_001379331.1); c.1536_1537insTTGCGGTC, p.Ser513fs (NM_001379333.1); c.1467_1468insTTGCGGTC, p.Ser490fs (NM_001379334.1); c.860-1955_860-1954insTTGCGGTC (NM_001286403.2); short protein forms S464fs, S514fs, S490fs, S465fs, S513fs.
Identifiers: ClinVar variation 1416680 (VCV001416680.6), dbSNP rs2144711765, ClinGen allele CA2573151848.

ClinVar aggregate classification (germline): Pathogenic (1 of 4 stars; one submission).

Conditions:
MHC class II deficiency. Also called: BLS, TYPE II; Bare lymphocyte syndrome 2. Identifiers: Orphanet 572, MedGen C5447452, MONDO:0008855.

Submission:

Labcorp Genetics (formerly Invitae), Labcorp
Classification: Pathogenic for MHC class II deficiency. Last evaluated: 2021-08-13. Review status: criteria provided, single submitter. Criteria: Invitae Variant Classification Sherloc (09022015). Collection method: clinical testing. Allele origin: germline.
Comment: For these reasons, this variant has been classified as Pathogenic. Algorithms developed to predict the effect of sequence changes on RNA splicing suggest that this variant may create or strengthen a splice site. This variant has not been reported in the literature in individuals affected with CIITA-related conditions. This variant is not present in population databases (ExAC no frequency). This sequence change creates a premature translational stop signal (p.Ser513Leufs*48) in the CIITA gene. It is expected to result in an absent or disrupted protein product. Loss-of-function variants in CIITA are known to be pathogenic (PMID: 8402893, 9099848, 26271388).

Literature cited by the submitters: PubMed 8402893; PubMed 9099848; PubMed 26271388.